The following is an entry in ClinVar:

ClinVar aggregate classification (germline): Likely pathogenic (1 of 4 stars; one submission).

Submission:

Centre for Clinical Genetics and Genomic Diagnostics, Zealand University Hospital
Classification: Likely pathogenic. Last evaluated: 2024-09-13. Review status: criteria provided, single submitter. Criteria: ACMG Guidelines, 2015. Collection method: clinical testing. Allele origin: germline.
Comment: Confirmed compound heterozygous

NM_005866.4(SIGMAR1):c.446-2A>C

Gene: SIGMAR1 (sigma non-opioid intracellular receptor 1; minus strand). Cytogenetic location: 9p13.3.
Variant type: single nucleotide variant.
Coding change: c.446-2A>C on transcript NM_005866.4 (MANE Select); the canonical splice acceptor site of the intron before coding-DNA position 446, A replaced by C.
Molecular consequence: splice acceptor variant. On other transcripts: intron variant (1).
Genome position (GRCh38, 1-based): chr9:34,635,860, T>G on the plus strand (A>C on the coding strand, the complement: SIGMAR1 is on the minus strand). VCF-style: chr9-34635860-T-G. GRCh37 (hg19) VCF-style: chr9-34635857-T-G.
Other names: c.386-2A>C (NM_001282207.2); c.306-2A>C (NM_001282209.2); c.146-2A>C (NM_001282206.2); c.353-2A>C (NM_147157.3); c.446-220A>C (NM_001282205.2); c.469-2A>C (NM_001282208.2).
Identifiers: ClinVar variation 4526770 (VCV004526770.1).